The following is an entry in ClinVar:

NM_005068.3(SIM1):c.1491C>T (p.Pro497=)

Genes: SIM1 (SIM bHLH transcription factor 1; minus strand), SIM1-AS1 (SIM1 antisense RNA 1; plus strand). Cytogenetic location: 6q16.3.
Variant type: single nucleotide variant.
Coding change: c.1491C>T on transcript NM_005068.3 (MANE Select); coding-DNA position 1491, C replaced by T.
Protein change: p.Pro497=; no amino-acid change (proline 497 retained).
Molecular consequence: synonymous variant. On other transcripts: non-coding transcript variant (1).
Genome position (GRCh38, 1-based): chr6:100,393,566, G>A on the plus strand (C>T on the coding strand, the complement: SIM1 is on the minus strand). VCF-style: chr6-100393566-G-A. GRCh37 (hg19) VCF-style: chr6-100841442-G-A.
Other names: c.1491C>T, p.Pro497= (NM_001374769.1).
Identifiers: ClinVar variation 3358075 (VCV003358075.1).

ClinVar aggregate classification (germline): Likely benign (0 of 4 stars; one submission).

Conditions:
SIM1-related disorder. Also called: SIM1-related condition; SIM1-related disorders.

Submission:

PreventionGenetics, part of Exact Sciences
Classification: Likely benign for SIM1-related condition. Last evaluated: 2021-01-27. Review status: no assertion criteria provided. Collection method: clinical testing. Allele origin: germline.
Comment: This variant is classified as likely benign based on ACMG/AMP sequence variant interpretation guidelines (Richards et al. 2015 PMID: 25741868, with internal and published modifications).